The following is an entry in ClinVar:

NM_000051.4(ATM):c.7629+12T>C

Genes: ATM (ATM serine/threonine kinase; plus strand), C11orf65 (chromosome 11 open reading frame 65; minus strand). Cytogenetic location: 11q22.3.
Variant type: single nucleotide variant.
Coding change: c.7629+12T>C on transcript NM_000051.4 (MANE Select); 12 bases into the intron after coding-DNA position 7629, T replaced by C.
Molecular consequence: intron variant.
Genome position (GRCh38, 1-based): chr11:108,331,569, T>C. VCF-style: chr11-108331569-T-C. GRCh37 (hg19) VCF-style: chr11-108202296-T-C.
Other names: c.7629+12T>C (NM_001351834.2); c.641-22498A>G (NM_001330368.2); c.*38+3651A>G (NM_001351110.2).
Identifiers: ClinVar variation 388925 (VCV000388925.11), dbSNP rs373731708, ClinGen allele CA16606120.

ClinVar aggregate classification (germline): Likely benign. Review status: criteria provided, multiple submitters, no conflicts (2 of 4 stars). 3 submissions from 3 submitters: Likely benign (3). Last evaluated 2026-01-04.

Conditions:
Hereditary cancer-predisposing syndrome. Also called: Neoplastic Syndromes, Hereditary; Hereditary Cancer Syndrome; Tumor predisposition; Hereditary neoplastic syndrome. Identifiers: Orphanet 140162, MedGen C0027672, MeSH D009386, MONDO:0015356.
Ataxia-telangiectasia syndrome (AT). Also called: LOUIS-BAR SYNDROME; Cerebello-oculocutaneous telangiectasia; Immunodeficiency with ataxia telangiectasia; Ataxia-telangiectasia, complementation group D; AT, COMPLEMENTATION GROUP C; Ataxia-telangiectasia, complementation group E. Identifiers: Orphanet 100, MedGen C0004135, MONDO:0008840, OMIM 208900.

Allele frequency attached by ClinVar (database versions not stated): gnomAD exomes below 0.00001; TOPMed 0.00001; gnomAD 0.00001; ESP Exome Variant Server 0.00008.
gnomAD v4.1: 3 of 1,601,956 alleles (0.00019%); highest among the groups gnomAD compares: African/African-American, 0.004%; no homozygotes.

Submissions (3):

Labcorp Genetics (formerly Invitae), Labcorp
Classification: Likely benign for Ataxia-telangiectasia syndrome. Last evaluated: 2026-01-04. Review status: criteria provided, single submitter. Criteria: Invitae Variant Classification Sherloc (09022015). Collection method: clinical testing. Allele origin: germline.

Color Diagnostics, LLC DBA Color Health
Classification: Likely benign for Hereditary cancer-predisposing syndrome. Last evaluated: 2019-06-18. Review status: criteria provided, single submitter. Criteria: ACMG Guidelines, 2015. Collection method: clinical testing. Allele origin: germline.

GeneDx
Classification: Likely benign. Last evaluated: 2016-08-24. Review status: criteria provided, single submitter. Criteria: GeneDx Variant Classification (06012015). Collection method: clinical testing. Allele origin: germline. Affected: yes.
Comment: This variant is considered likely benign or benign based on one or more of the following criteria: it is a conservative change, it occurs at a poorly conserved position in the protein, it is predicted to be benign by multiple in silico algorithms, and/or has population frequency not consistent with disease.